The following is an entry in ClinVar:

NC_000011.9:g.(?_76841681)_(76841718_?)del

Gene: MYO7A (myosin VIIA; plus strand). Cytogenetic location: 11q13.5.
Variant type: Deletion.
Identifiers: ClinVar variation 1366241 (VCV001366241.4).

ClinVar aggregate classification (germline): Pathogenic (1 of 4 stars; one submission).

Submission:

Labcorp Genetics (formerly Invitae), Labcorp
Classification: Pathogenic. Last evaluated: 2020-12-18. Review status: criteria provided, single submitter. Criteria: Invitae Variant Classification Sherloc (09022015). Collection method: clinical testing. Allele origin: germline.
Comment: For these reasons, this variant has been classified as Pathogenic. This variant has not been reported in the literature in individuals with MYO7A-related conditions. This variant is a gross deletion of the genomic region encompassing exon(s) 2 of the MYO7A gene, which includes the initiator codon. The 5' end of this event is unknown as it extends beyond the assayed region for this gene and therefore may encompass additional genes. The 3' boundary is likely confined to intron 2 of the MYO7A gene. It is expected to result in an absent or disrupted protein product. Loss-of-function variants in MYO7A are known to be pathogenic (PMID: 8900236, 25404053).

Literature cited by the submitters: PubMed 8900236; PubMed 25404053.